The following is an entry in ClinVar:

ClinVar aggregate classification (germline): Pathogenic (0 of 4 stars; one submission).

Conditions:
Alkaptonuria (AKU). Also called: Alkaptonuric ochronosis; Homogentisic acidura; Alcaptonuria; HOMOGENTISIC ACID OXIDASE DEFICIENCY. Identifiers: Orphanet 56, MedGen C0002066, MONDO:0008753, OMIM 203500.

Allele frequency attached by ClinVar (database versions not stated): ExAC 0.00001.

Submission:

Department Of Human Genetics, Institute Of Clinical And Translational Research, Biomedical Research Center, Slovak Academy Of Sciences
Classification: Pathogenic for Alkaptonuria. Review status: no assertion criteria provided. Collection method: research. Allele origin: germline. Inheritance: Autosomal recessive inheritance. Affected: yes. Observed: 1 variant allele.
Comment: The variant was originally described in AKU patient in PMID:30737480. It has been submitted to the HGD gene mutation database (DB-ID: AKU_00265).

Literature cited by the submitters: PubMed 30737480.

NM_000187.4(HGD):c.54T>A (p.Asp18Glu)

Gene: HGD (homogentisate 1,2-dioxygenase; minus strand). Cytogenetic location: 3q13.33.
Variant type: single nucleotide variant.
Coding change: c.54T>A on transcript NM_000187.4 (MANE Select); coding-DNA position 54, T replaced by A.
Protein change: p.Asp18Glu; replaces aspartic acid 18 with glutamic acid.
Molecular consequence: missense variant.
Genome position (GRCh38, 1-based): chr3:120,675,825, A>T on the plus strand (T>A on the coding strand, the complement: HGD is on the minus strand). VCF-style: chr3-120675825-A-T. GRCh37 (hg19) VCF-style: chr3-120394672-A-T.
Other names: short protein forms D18E.
Identifiers: ClinVar variation 2626847 (VCV002626847.1), dbSNP rs765687351, ClinGen allele CA2560382.